The following is an entry in ClinVar:

ClinVar aggregate classification (germline): Benign (1 of 4 stars; one submission).

Allele frequency attached by ClinVar (database versions not stated): 1000 Genomes Project 0.12859; 1000 Genomes Project 30x 0.13616; gnomAD 0.14227 and 0.14735; ESP Exome Variant Server 0.14525; TOPMed 0.14582.
gnomAD v4.1: 154,566 of 1,613,822 alleles (9.6%); highest among the groups gnomAD compares: African/African-American, 28%; 9,080 homozygotes.

Submission:

GeneDx
Classification: Benign. Last evaluated: 2019-01-18. Review status: criteria provided, single submitter. Criteria: GeneDx Variant Classification Process June 2021. Collection method: clinical testing. Allele origin: germline. Affected: yes.
Comment: This variant is associated with the following publications: (PMID: 29409727)

NM_018912.3(PCDHGA1):c.2421+11388A>C

Genes: PCDHG@ (protocadherin gamma cluster; plus strand), PCDHGA1 (protocadherin gamma subfamily A, 1; plus strand), PCDHGA2 (protocadherin gamma subfamily A, 2; plus strand), PCDHGA3 (protocadherin gamma subfamily A, 3; plus strand). Cytogenetic location: 5q31.3.
Variant type: single nucleotide variant.
Coding change: c.2421+11388A>C on transcript NM_018912.3 (MANE Select); 11388 bases into the intron after coding-DNA position 2421, A replaced by C.
Molecular consequence: intron variant. On other transcripts: missense variant (2).
Genome position (GRCh38, 1-based): chr5:141,344,493, A>C. VCF-style: chr5-141344493-A-C. GRCh37 (hg19) VCF-style: chr5-140724060-A-C.
Other names: c.460A>C, p.Ile154Leu (NM_018916.4, NM_032011.2); c.2424+3098A>C (NM_018915.4); short protein forms I154L.
Identifiers: ClinVar variation 1296894 (VCV001296894.2), dbSNP rs11575948, ClinGen allele CA3467798.
Genomic context (GRCh38, chr5:141,344,493, plus strand): 5'-CCAACAGAGGAATTGGAAATAAAAATTGGTGAACTAACGGTTCCTGGAACCCGATTTCCA[A>C]TTAAAACTGCTTTTGACCCAGATGTAGGCATTAACTCCCTGCAGAACTACAAGCTTAGCC-3'